The following is an entry in ClinVar:

ClinVar aggregate classification (germline): Uncertain significance (1 of 4 stars; one submission).

Conditions:
Ataxia-telangiectasia syndrome (AT). Also called: AT, COMPLEMENTATION GROUP C; Ataxia-telangiectasia, complementation group D; ATAXIA-TELANGIECTASIA, COMPLEMENTATION GROUP A; ATAXIA-TELANGIECTASIA, FRESNO VARIANT; Ataxia-telangiectasia; Ataxia telangiectasia (A-T). Identifiers: Orphanet 100, MedGen C0004135, MONDO:0008840, OMIM 208900.

Submission:

Labcorp Genetics (formerly Invitae), Labcorp
Classification: Uncertain significance for Ataxia-telangiectasia syndrome. Last evaluated: 2023-07-17. Review status: criteria provided, single submitter. Criteria: Invitae Variant Classification Sherloc (09022015). Collection method: clinical testing. Allele origin: germline.
Comment: In summary, the available evidence is currently insufficient to determine the role of this variant in disease. Therefore, it has been classified as a Variant of Uncertain Significance. This variant has not been reported in the literature in individuals affected with ATM-related conditions. This variant is not present in population databases (gnomAD no frequency). This variant, c.480_482dup, results in the insertion of 1 amino acid(s) of the ATM protein (p.Ser160_Gln161insHis), but otherwise preserves the integrity of the reading frame.

NM_000051.4(ATM):c.480_482dup (p.Ser160_Gln161insHis)

Gene: ATM (ATM serine/threonine kinase; plus strand). Cytogenetic location: 11q22.3.
Variant type: Duplication.
Coding change: c.480_482dup on transcript NM_000051.4 (MANE Select); coding-DNA positions 480 to 482, 3 bases duplicated (TCA; older notation c.480_482dupTCA).
Protein change: p.Ser160_Gln161insHis.
Molecular consequence: inframe insertion.
Genome position (GRCh38, 1-based): chr11:108,235,818-108,235,820, TCA duplicated. VCF-style (leftmost placement, unchanged base first): chr11-108235817-C-CTCA. GRCh37 (hg19) VCF-style: chr11-108106544-C-CTCA.
Other names: c.480_482dup, p.Ser160_Gln161insHis (NM_001351834.2).
Identifiers: ClinVar variation 2744230 (VCV002744230.3), dbSNP rs2497022142, ClinGen allele CA2697548974.
Genomic context (GRCh38, chr11:108,235,817, plus strand): 5'-ATTGTAGCAACATACTACTCAAAGACATTCTTTCTGTGAGAAAATACTGGTGTGAAATAT[C>CTCA]TCAGCAACAGTGGTTAGGTATGTTTTGAAGGTTGTTGTTTGTGAATTTTTCCTCATGAAA-3'